The following is an entry in ClinVar:

ClinVar aggregate classification (germline): Uncertain significance (1 of 4 stars; one submission).

Conditions:
FOXC1-related disorder. Also called: FOXC1-related condition.

Submission:

PreventionGenetics, part of Exact Sciences
Classification: Uncertain significance for FOXC1-related condition. Last evaluated: 2026-01-10. Review status: criteria provided, single submitter. Criteria: ACMG Guidelines, 2015. Collection method: clinical testing. Allele origin: germline.
Comment: The FOXC1 c.1528A>G variant is predicted to result in the amino acid substitution p.Met510Val. To our knowledge, this variant has not been reported in the literature or in a large population database (gnomAD), indicating this variant is rare. At this time, the clinical significance of this variant is uncertain due to the absence of conclusive functional and genetic evidence.

NM_001453.3(FOXC1):c.1528A>G (p.Met510Val)

Gene: FOXC1 (forkhead box C1; plus strand). Cytogenetic location: 6p25.3.
Variant type: single nucleotide variant.
Coding change: c.1528A>G on transcript NM_001453.3 (MANE Select); coding-DNA position 1528, A replaced by G.
Protein change: p.Met510Val; replaces methionine 510 with valine.
Molecular consequence: missense variant.
Genome position (GRCh38, 1-based): chr6:1,611,973, A>G. VCF-style: chr6-1611973-A-G. GRCh37 (hg19) VCF-style: chr6-1612208-A-G.
Other names: short protein forms M510V.
Identifiers: ClinVar variation 5002155 (VCV005002155.1).
Genomic context (GRCh38, chr6:1,611,973, plus strand): 5'-GCGGCGGCGGCGGCCGCAGGCTACCCGGGCCAGCAGCAGAACTTCCACTCGGTGCGGGAG[A>G]TGTTCGAGTCACAGAGGATCGGCTTGAACAACTCTCCAGTGAACGGGAATAGTAGCTGTC-3'
Protein context (NP_001444.2, residues 500-520): QQQNFHSVRE[Met510Val]FESQRIGLNN